The following is an entry in ClinVar:

NM_014249.4(NR2E3):c.472C>T (p.Arg158Trp)

Gene: NR2E3 (nuclear receptor subfamily 2 group E member 3; plus strand). Cytogenetic location: 15q23.
Variant type: single nucleotide variant.
Coding change: c.472C>T on transcript NM_014249.4 (MANE Select); coding-DNA position 472, C replaced by T.
Protein change: p.Arg158Trp; replaces arginine 158 with tryptophan.
Molecular consequence: missense variant.
Genome position (GRCh38, 1-based): chr15:71,812,077, C>T. VCF-style: chr15-71812077-C-T. GRCh37 (hg19) VCF-style: chr15-72104417-C-T.
Other names: c.472C>T (NM_014249.3); c.472C>T, p.Arg158Trp (NM_016346.4); short protein forms R158W.
Identifiers: ClinVar variation 3705312 (VCV003705312.4).
Genomic context (GRCh38, chr15:71,812,077, plus strand): 5'-AACACTGAGTCCCGGCCGGAGTCCCTGGTGGCTCCCCCGGCCCCGGCAGGGCGCAGCCCA[C>T]GGGGCCCCACACCCATGTCTGCAGCCAGAGCCCTGGGCCACCACTTCATGGCCAGCCTTA-3'
Protein context (NP_055064.1, residues 148-168): APPAPAGRSP[Arg158Trp]GPTPMSAARA

ClinVar aggregate classification (germline): Uncertain significance. Review status: criteria provided, multiple submitters, no conflicts (2 of 4 stars). 3 submissions from 3 submitters: Uncertain significance (3). Last evaluated 2025-08-03.

Conditions:
NR2E3-related disorder. Also called: NR2E3-related condition; NR2E3-related disorders. Identifiers: MedGen CN239387.

gnomAD v4.1: 84 of 1,553,116 alleles (0.0054%); highest among the groups gnomAD compares: Non-Finnish European, 0.0065%; no homozygotes.

Submissions (3):

PreventionGenetics, part of Exact Sciences
Classification: Uncertain significance for NR2E3-related condition. Last evaluated: 2025-08-03. Review status: criteria provided, single submitter. Criteria: ACMG Guidelines, 2015. Collection method: clinical testing. Allele origin: germline.
Comment: The NR2E3 c.472C>T variant is predicted to result in the amino acid substitution p.Arg158Trp. To our knowledge, this variant has not been reported in the literature. This variant is reported in 0.013% of alleles in individuals of African descent in gnomAD. At this time, the clinical significance of this variant is uncertain due to the absence of conclusive functional and genetic evidence.

Labcorp Genetics (formerly Invitae), Labcorp
Classification: Uncertain significance. Last evaluated: 2024-11-06. Review status: criteria provided, single submitter. Criteria: Invitae Variant Classification Sherloc (09022015). Collection method: clinical testing. Allele origin: germline.
Comment: This sequence change replaces arginine, which is basic and polar, with tryptophan, which is neutral and slightly polar, at codon 158 of the NR2E3 protein (p.Arg158Trp). The frequency data for this variant in the population databases is considered unreliable, as metrics indicate poor data quality at this position in the gnomAD database. This variant has not been reported in the literature in individuals affected with NR2E3-related conditions. Invitae Evidence Modeling of protein sequence and biophysical properties (such as structural, functional, and spatial information, amino acid conservation, physicochemical variation, residue mobility, and thermodynamic stability) has been performed for this missense variant. However, the output from this modeling did not meet the statistical confidence thresholds required to predict the impact of this variant on NR2E3 protein function. In summary, the available evidence is currently insufficient to determine the role of this variant in disease. Therefore, it has been classified as a Variant of Uncertain Significance.

Blueprint Genetics
Classification: Uncertain significance. Last evaluated: 2020-12-10. Review status: criteria provided, single submitter. Criteria: ACMG Guidelines, 2015. Collection method: clinical testing. Allele origin: germline.